The following is an entry in ClinVar:

NM_005560.6(LAMA5):c.3728C>T (p.Pro1243Leu)

Gene: LAMA5 (laminin subunit alpha 5; minus strand). Cytogenetic location: 20q13.33.
Variant type: single nucleotide variant.
Coding change: c.3728C>T on transcript NM_005560.6 (MANE Select); coding-DNA position 3728, C replaced by T.
Protein change: p.Pro1243Leu; replaces proline 1243 with leucine.
Molecular consequence: missense variant.
Genome position (GRCh38, 1-based): chr20:62,330,867, G>A on the plus strand (C>T on the coding strand, the complement: LAMA5 is on the minus strand). VCF-style: chr20-62330867-G-A. GRCh37 (hg19) VCF-style: chr20-60905923-G-A.
Other names: LAMA5p.P1243L; short protein forms P1243L.
Identifiers: ClinVar variation 430574 (VCV000430574.7), dbSNP rs756101090, ClinGen allele CA9942875.

ClinVar aggregate classification (germline): Uncertain significance. Review status: criteria provided, multiple submitters, no conflicts (2 of 4 stars). 3 submissions from 3 submitters: Uncertain significance (2). 1 of the submissions does not count toward it. Last evaluated 2024-08-21.

Conditions:
LAMA5-related disorder. Also called: LAMA5-related condition; LAMA5-Related Disorders.
Familial hematuria. Identifiers: MedGen C1305904.

Allele frequency attached by ClinVar (database versions not stated): ExAC below 0.00001; gnomAD exomes 0.00004 and 0.00006; gnomAD 0.00009; TOPMed 0.00009.
gnomAD v4.1: 92 of 1,541,084 alleles (0.006%); highest among the groups gnomAD compares: Admixed American, 0.012%; no homozygotes.

Submissions (3):

Labcorp Genetics (formerly Invitae), Labcorp
Classification: Uncertain significance. Last evaluated: 2024-08-21. Review status: criteria provided, single submitter. Criteria: Invitae Variant Classification Sherloc (09022015). Collection method: clinical testing. Allele origin: germline.
Comment: This sequence change replaces proline, which is neutral and non-polar, with leucine, which is neutral and non-polar, at codon 1243 of the LAMA5 protein (p.Pro1243Leu). This variant is present in population databases (rs756101090, gnomAD 0.009%). This missense change has been observed in individual(s) with clinical features of LAMA5-related conditions (PMID: 29764427). ClinVar contains an entry for this variant (Variation ID: 430574). An algorithm developed to predict the effect of missense changes on protein structure and function (PolyPhen-2) suggests that this variant is likely to be tolerated. In summary, the available evidence is currently insufficient to determine the role of this variant in disease. Therefore, it has been classified as a Variant of Uncertain Significance.

PreventionGenetics, part of Exact Sciences
Classification: Uncertain significance for LAMA5-related condition. Last evaluated: 2022-12-19. Review status: criteria provided, single submitter. Criteria: ACMG Guidelines, 2015. Collection method: clinical testing. Allele origin: germline.
Comment: The LAMA5 c.3728C>T variant is predicted to result in the amino acid substitution p.Pro1243Leu. This variant was previously reported, along with a missense variant in COL4A5 in several individuals from the same family who presented with hematuria (Voskarides et al. 2018. PubMed ID: 29764427). This variant is reported in 0.0083% of alleles in individuals of Latino descent in gnomAD. At this time, the clinical significance of this variant is uncertain due to the absence of conclusive functional and genetic evidence.

Molecular Medicine Research Center, University of Cyprus
Classification: Pathogenic for Familial hematuria. Review status: no assertion criteria provided. Collection method: phenotyping only. Allele origin: not applicable. Inheritance: Oligogenic inheritance. Not counted in ClinVar's aggregate classification.
Comment: Evidence for digenic inheritance with a COL4A5 variant

Literature cited by the submitters: PubMed 29764427 (cited by Labcorp Genetics (formerly Invitae), Labcorp).